The following is an entry in ClinVar:

NM_000548.5(TSC2):c.4517A>T (p.His1506Leu)

Gene: TSC2 (TSC complex subunit 2; plus strand). Cytogenetic location: 16p13.3.
Variant type: single nucleotide variant.
Coding change: c.4517A>T on transcript NM_000548.5 (MANE Select); coding-DNA position 4517, A replaced by T.
Protein change: p.His1506Leu; replaces histidine 1506 with leucine.
Molecular consequence: missense variant.
Genome position (GRCh38, 1-based): chr16:2,084,974, A>T. VCF-style: chr16-2084974-A-T. GRCh37 (hg19) VCF-style: chr16-2134975-A-T.
Other names: c.4316A>T, p.His1439Leu (NM_001077183.3); c.4448A>T, p.His1483Leu (NM_001114382.3); c.4208A>T, p.His1403Leu (NM_001318827.2); c.4172A>T, p.His1391Leu (NM_001318829.2); c.3785A>T, p.His1262Leu (NM_001318831.2); c.4349A>T, p.His1450Leu (NM_001318832.2); c.4319A>T, p.His1440Leu (NM_001363528.2); c.4385A>T, p.His1462Leu (NM_001370404.1); and 2 more; short protein forms H1262L, H1391L, H1403L, H1439L, H1440L, H1450L, H1462L, H1463L.
Identifiers: ClinVar variation 1023769 (VCV001023769.10), dbSNP rs2090581620, ClinGen allele CA394302769.

ClinVar aggregate classification (germline): Uncertain significance. Review status: criteria provided, multiple submitters, no conflicts (2 of 4 stars). 2 submissions from 2 submitters: Uncertain significance (2). Last evaluated 2024-02-23.

Conditions:
Tuberous sclerosis 2 (TSC2). Identifiers: Orphanet 805, MedGen C1860707, MONDO:0013199, OMIM 613254.
Hereditary cancer-predisposing syndrome. Also called: Hereditary neoplastic syndrome; Neoplastic Syndromes, Hereditary; Tumor predisposition; Hereditary Cancer Syndrome. Identifiers: Orphanet 140162, MedGen C0027672, MeSH D009386, MONDO:0015356.

Submissions (2):

Labcorp Genetics (formerly Invitae), Labcorp
Classification: Uncertain significance for Tuberous sclerosis 2. Last evaluated: 2024-02-23. Review status: criteria provided, single submitter. Criteria: Invitae Variant Classification Sherloc (09022015). Collection method: clinical testing. Allele origin: germline.
Comment: This sequence change replaces histidine, which is basic and polar, with leucine, which is neutral and non-polar, at codon 1506 of the TSC2 protein (p.His1506Leu). This variant is not present in population databases (gnomAD no frequency). This variant has not been reported in the literature in individuals affected with TSC2-related conditions. ClinVar contains an entry for this variant (Variation ID: 1023769). Advanced modeling of protein sequence and biophysical properties (such as structural, functional, and spatial information, amino acid conservation, physicochemical variation, residue mobility, and thermodynamic stability) has been performed at Invitae for this missense variant, however the output from this modeling did not meet the statistical confidence thresholds required to predict the impact of this variant on TSC2 protein function. In summary, the available evidence is currently insufficient to determine the role of this variant in disease. Therefore, it has been classified as a Variant of Uncertain Significance.

Ambry Genetics
Classification: Uncertain significance for Hereditary cancer-predisposing syndrome. Last evaluated: 2023-04-27. Review status: criteria provided, single submitter. Criteria: Ambry Variant Classification Scheme 2023. Collection method: clinical testing. Allele origin: germline.
Comment: The p.H1506L variant (also known as c.4517A>T), located in coding exon 34 of the TSC2 gene, results from an A to T substitution at nucleotide position 4517. The histidine at codon 1506 is replaced by leucine, an amino acid with similar properties. This amino acid position is conserved. In addition, this alteration is predicted to be deleterious by in silico analysis. Since supporting evidence is limited at this time, the clinical significance of this alteration remains unclear.